The following is an entry in ClinVar:

ClinVar aggregate classification (germline): Uncertain significance (1 of 4 stars; one submission).

Submission:

Labcorp Genetics (formerly Invitae), Labcorp
Classification: Uncertain significance. Last evaluated: 2025-12-31. Review status: criteria provided, single submitter. Criteria: Invitae Variant Classification Sherloc (09022015). Collection method: clinical testing. Allele origin: germline.
Comment: This sequence change replaces serine, which is neutral and polar, with alanine, which is neutral and non-polar, at codon 410 of the TEAD1 protein (p.Ser410Ala). This variant is not present in population databases (gnomAD no frequency). This variant has not been reported in the literature in individuals affected with TEAD1-related conditions. Invitae Evidence Modeling of protein sequence and biophysical properties (such as structural, functional, and spatial information, amino acid conservation, physicochemical variation, residue mobility, and thermodynamic stability) indicates that this missense variant is not expected to disrupt TEAD1 protein function with a negative predictive value of 80%. In summary, the available evidence is currently insufficient to determine the role of this variant in disease. Therefore, it has been classified as a Variant of Uncertain Significance.

NM_021961.6(TEAD1):c.1228T>G (p.Ser410Ala)

Gene: TEAD1 (TEA domain transcription factor 1; plus strand). Cytogenetic location: 11p15.3.
Variant type: single nucleotide variant.
Coding change: c.1228T>G on transcript NM_021961.6 (MANE Select); coding-DNA position 1228, T replaced by G.
Protein change: p.Ser410Ala; replaces serine 410 with alanine.
Molecular consequence: missense variant.
Genome position (GRCh38, 1-based): chr11:12,937,169, T>G. VCF-style: chr11-12937169-T-G. GRCh37 (hg19) VCF-style: chr11-12958716-T-G.
Other names: short protein forms S410A.
Identifiers: ClinVar variation 4742937 (VCV004742937.1).
Genomic context (GRCh38, chr11:12,937,169, plus strand): 5'-GTGGTAACAAACAGGGATACACAAGAAACTCTACTCTGCATGGCCTGTGTGTTTGAAGTT[T>G]CAAATAGTGAACACGGAGCACAACATCATATTTACAGGCTTGTAAAGGACTGAACATGGT-3'
Protein context (NP_068780.2, residues 400-420): LLCMACVFEV[Ser410Ala]NSEHGAQHHI